The following is an entry in ClinVar:

NM_001382430.1(AKT1):c.796T>G (p.Ser266Ala)

Gene: AKT1 (AKT serine/threonine kinase 1; minus strand). Cytogenetic location: 14q32.33.
Variant type: single nucleotide variant.
Coding change: c.796T>G on transcript NM_001382430.1 (MANE Select); coding-DNA position 796, T replaced by G.
Protein change: p.Ser266Ala; replaces serine 266 with alanine.
Molecular consequence: missense variant.
Genome position (GRCh38, 1-based): chr14:104,773,487, A>C on the plus strand (T>G on the coding strand, the complement: AKT1 is on the minus strand). VCF-style: chr14-104773487-A-C. GRCh37 (hg19) VCF-style: chr14-105239824-A-C.
Other names: c.796T>G, p.Ser266Ala (NM_001014431.2, NM_001014432.2, NM_001382431.1 and 3 more transcripts); short protein forms S266A.
Identifiers: ClinVar variation 939919 (VCV000939919.9), dbSNP rs1892518764, ClinGen allele CA391218268.

ClinVar aggregate classification (germline): Uncertain significance (1 of 4 stars; one submission).

Conditions:
Cowden syndrome 6 (CWS6). Identifiers: Orphanet 201, MedGen C3554519, MONDO:0014048, OMIM 615109.

Allele frequency attached by ClinVar (database versions not stated): gnomAD exomes below 0.00001.
gnomAD v4.1: 1 of 1,613,888 alleles (0.000062%); highest among the groups gnomAD compares: Non-Finnish European, 0.000085%; no homozygotes.

Submission:

Labcorp Genetics (formerly Invitae), Labcorp
Classification: Uncertain significance for Cowden syndrome 6. Last evaluated: 2019-09-14. Review status: criteria provided, single submitter. Criteria: Invitae Variant Classification Sherloc (09022015). Collection method: clinical testing. Allele origin: germline.
Comment: In summary, the available evidence is currently insufficient to determine the role of this variant in disease. Therefore, it has been classified as a Variant of Uncertain Significance. Algorithms developed to predict the effect of missense changes on protein structure and function (SIFT, PolyPhen-2, Align-GVGD) all suggest that this variant is likely to be tolerated, but these predictions have not been confirmed by published functional studies and their clinical significance is uncertain. This variant has not been reported in the literature in individuals with AKT1-related conditions. This variant is not present in population databases (ExAC no frequency). This sequence change replaces serine with alanine at codon 266 of the AKT1 protein (p.Ser266Ala). The serine residue is highly conserved and there is a moderate physicochemical difference between serine and alanine.